The following is an entry in ClinVar:

ClinVar aggregate classification (germline): Conflicting classifications of pathogenicity. Review status: criteria provided, conflicting classifications (1 of 4 stars). 6 submissions from 6 submitters: Uncertain significance (4); Likely benign (1). 1 of the submissions does not count toward it. Last evaluated 2025-12-05.

Conditions:
Hereditary cancer-predisposing syndrome. Also called: Tumor predisposition; Hereditary Cancer Syndrome; Neoplastic Syndromes, Hereditary; Hereditary neoplastic syndrome. Identifiers: Orphanet 140162, MedGen C0027672, MeSH D009386, MONDO:0015356.
Hereditary breast ovarian cancer syndrome. Also called: Hereditary breast and ovarian cancer; Breast and ovarian cancer; Hereditary breast and/or ovarian cancer syndrome; BRCA1- and BRCA2-Associated Hereditary Breast and Ovarian Cancer; Hereditary breast and ovarian cancer syndrome; Hereditary breast and ovarian cancer syndrome (HBOC). Identifiers: Orphanet 145, MedGen C0677776, MeSH D061325, MONDO:0003582. Disease mechanism: loss of function.
Breast-ovarian cancer, familial, susceptibility to, 2 (BROVCA2). Also called: BRCA2 Hereditary Breast and Ovarian Cancer. Identifiers: Orphanet 145, MedGen C2675520, MONDO:0012933, OMIM 612555. Disease mechanism: loss of function.

Allele frequency attached by ClinVar (database versions not stated): gnomAD exomes 0.00001.
gnomAD v4.1: 9 of 1,613,196 alleles (0.00056%); highest among the groups gnomAD compares: Non-Finnish European, 0.00076%; no homozygotes.

Submissions (6):

Labcorp Genetics (formerly Invitae), Labcorp
Classification: Uncertain significance for Hereditary breast ovarian cancer syndrome. Last evaluated: 2025-12-05. Review status: criteria provided, single submitter. Criteria: Invitae Variant Classification Sherloc (09022015). Collection method: clinical testing. Allele origin: germline.
Comment: This sequence change replaces threonine, which is neutral and polar, with alanine, which is neutral and non-polar, at codon 1629 of the BRCA2 protein (p.Thr1629Ala). This variant is not present in population databases (gnomAD no frequency). This variant has not been reported in the literature in individuals affected with BRCA2-related conditions. ClinVar contains an entry for this variant (Variation ID: 252835). Invitae Evidence Modeling of protein sequence and biophysical properties (such as structural, functional, and spatial information, amino acid conservation, physicochemical variation, residue mobility, and thermodynamic stability) indicates that this missense variant is not expected to disrupt BRCA2 protein function with a negative predictive value of 95%. In summary, the available evidence is currently insufficient to determine the role of this variant in disease. Therefore, it has been classified as a Variant of Uncertain Significance.

Ambry Genetics
Classification: Uncertain significance for Hereditary cancer-predisposing syndrome. Last evaluated: 2025-11-24. Review status: criteria provided, single submitter. Criteria: Ambry Variant Classification Scheme 2023. Collection method: clinical testing. Allele origin: germline.
Comment: The p.T1629A variant (also known as c.4885A>G), located in coding exon 10 of the BRCA2 gene, results from an A to G substitution at nucleotide position 4885. The threonine at codon 1629 is replaced by alanine, an amino acid with similar properties. This amino acid position is poorly conserved in available vertebrate species. In addition, this alteration is predicted to be tolerated by in silico analysis. Since supporting evidence is limited at this time, the clinical significance of this alteration remains unclear.

Quest Diagnostics Nichols Institute San Juan Capistrano
Classification: Uncertain significance. Last evaluated: 2024-12-17. Review status: criteria provided, single submitter. Criteria: Quest Diagnostics criteria. Collection method: clinical testing. Allele origin: unknown.
Comment: The BRCA2 c.4885A>G (p.Thr1629Ala) variant has been reported to be located in a region of the BRCA2 gene that is tolerant to missense sequence changes (PMID: 31911673 (2020)). To the best of our knowledge, this variant has not been reported in individuals with BRCA2-related disorders. This variant has not been reported in large, multi-ethnic general populations (Genome Aggregation Database). Analysis of this variant using bioinformatics tools for the prediction of the effect of amino acid changes on protein structure and function yielded predictions that this variant is benign. Based on the available information, we are unable to determine the clinical significance of this variant.

University of Washington Department of Laboratory Medicine, University of Washington
Classification: Likely benign for Hereditary cancer-predisposing syndrome. Last evaluated: 2023-03-23. Review status: criteria provided, single submitter. Criteria: Dines et al. (Genet Med. 2020). Collection method: curation. Allele origin: germline.
Comment: Missense variant in a coldspot region where missense variants are very unlikely to be pathogenic (PMID:31911673).

BRCA2 exon 11 coldspot. Reclassification based on statistical prior probability.

Color Diagnostics, LLC DBA Color Health
Classification: Uncertain significance for Hereditary cancer-predisposing syndrome. Last evaluated: 2019-05-04. Review status: criteria provided, single submitter. Criteria: ACMG Guidelines, 2015. Collection method: clinical testing. Allele origin: germline.

Sharing Clinical Reports Project (SCRP)
Classification: Uncertain significance for Breast-ovarian cancer, familial 2. Last evaluated: 2012-03-22. Review status: no assertion criteria provided. Collection method: clinical testing. Allele origin: germline. Not counted in ClinVar's aggregate classification.

Literature cited by the submitters: PubMed 31911673 (cited by Quest Diagnostics Nichols Institute San Juan Capistrano).

NM_000059.4(BRCA2):c.4885A>G (p.Thr1629Ala)

Gene: BRCA2 (BRCA2 DNA repair associated; plus strand). Cytogenetic location: 13q13.1.
Variant type: single nucleotide variant.
Coding change: c.4885A>G on transcript NM_000059.4 (MANE Select); coding-DNA position 4885, A replaced by G.
Protein change: p.Thr1629Ala; replaces threonine 1629 with alanine.
Molecular consequence: missense variant.
Genome position (GRCh38, 1-based): chr13:32,339,240, A>G. VCF-style: chr13-32339240-A-G. GRCh37 (hg19) VCF-style: chr13-32913377-A-G.
Other names: 5113A>G; short protein forms T1629A.
Identifiers: ClinVar variation 252835 (VCV000252835.23), dbSNP rs879255455, ClinGen allele CA10586071.